The following is an entry in ClinVar:

ClinVar aggregate classification (germline): Likely pathogenic. Review status: criteria provided, multiple submitters, no conflicts (2 of 4 stars). 2 submissions from 2 submitters: Likely pathogenic (2). Last evaluated 2026-03-02.

Conditions:
Mucopolysaccharidosis, MPS-III-A (MPS3A). Also called: HEPARAN SULFATE SULFATASE DEFICIENCY; SANFILIPPO SYNDROME A; SULFAMIDASE DEFICIENCY; MPS III A; Mucopolysaccharidosis type IIIA (Sanfilippo A); Mucopolysaccharidosis, type IIIA. Identifiers: Orphanet 581, Orphanet 79269, MedGen C0086647, MONDO:0009655, OMIM 252900.

Submissions (2):

Myriad Genetics, Inc.
Classification: Likely pathogenic for Mucopolysaccharidosis, MPS-III-A. Last evaluated: 2026-03-02. Review status: criteria provided, single submitter. Criteria: Myriad Autosomal Dominant, Autosomal Recessive and X-Linked Classification Criteria (2023). Collection method: clinical testing. Allele origin: unknown.
Comment: NM_000199.3(SGSH):c.1129C>A(R377S) is a missense variant classified as likely pathogenic in the context of mucopolysaccharidosis type IIIA. R377S has been observed in a case with relevant disease (PMID: 33673364). Relevant functional assessments of this variant are not available in the literature. Internal structural analysis of the variant is supportive of pathogenicity. R377S has not been observed in referenced population frequency databases. In summary, NM_000199.3(SGSH):c.1129C>A(R377S) is a missense variant that has internal structural support for pathogenicity and has been observed more frequently in cases with the relevant disease than in healthy populations. Please note: this variant was assessed in the context of healthy population screening.

Labcorp Genetics (formerly Invitae), Labcorp
Classification: Likely pathogenic for Mucopolysaccharidosis, MPS-III-A. Last evaluated: 2022-11-01. Review status: criteria provided, single submitter. Criteria: Invitae Variant Classification Sherloc (09022015). Collection method: clinical testing. Allele origin: germline.
Comment: This variant is not present in population databases (gnomAD no frequency). In summary, the currently available evidence indicates that the variant is pathogenic, but additional data are needed to prove that conclusively. Therefore, this variant has been classified as Likely Pathogenic. This variant disrupts the p.Arg377 amino acid residue in SGSH. Other variant(s) that disrupt this residue have been determined to be pathogenic (PMID: 9554748, 10727844, 12000360, 19099774, 21910976). This suggests that this residue is clinically significant, and that variants that disrupt this residue are likely to be disease-causing. Advanced modeling of protein sequence and biophysical properties (such as structural, functional, and spatial information, amino acid conservation, physicochemical variation, residue mobility, and thermodynamic stability) performed at Invitae indicates that this missense variant is expected to disrupt SGSH protein function. This missense change has been observed in individual(s) with SGSH-related conditions (PMID: 33673364). This sequence change replaces arginine, which is basic and polar, with serine, which is neutral and polar, at codon 377 of the SGSH protein (p.Arg377Ser).

Literature cited by the submitters: PubMed 33673364 (cited by Myriad Genetics, Inc. and Labcorp Genetics (formerly Invitae), Labcorp); PubMed 9554748 (cited by Labcorp Genetics (formerly Invitae), Labcorp); PubMed 10727844 (cited by Labcorp Genetics (formerly Invitae), Labcorp); PubMed 12000360 (cited by Labcorp Genetics (formerly Invitae), Labcorp); PubMed 19099774 (cited by Labcorp Genetics (formerly Invitae), Labcorp); PubMed 21910976 (cited by Labcorp Genetics (formerly Invitae), Labcorp).

NM_000199.5(SGSH):c.1129C>A (p.Arg377Ser)

Gene: SGSH (N-sulfoglucosamine sulfohydrolase; minus strand). Cytogenetic location: 17q25.3.
Variant type: single nucleotide variant.
Coding change: c.1129C>A on transcript NM_000199.5 (MANE Select); coding-DNA position 1129, C replaced by A.
Protein change: p.Arg377Ser; replaces arginine 377 with serine.
Molecular consequence: missense variant. On other transcripts: 3 prime UTR variant (2), non-coding transcript variant (1).
Genome position (GRCh38, 1-based): chr17:80,210,832, G>T on the plus strand (C>A on the coding strand, the complement: SGSH is on the minus strand). VCF-style: chr17-80210832-G-T. GRCh37 (hg19) VCF-style: chr17-78184631-G-T.
Other names: c.*216C>A (NM_001352921.3); c.*179C>A (NM_001352922.2); short protein forms R377S.
Identifiers: ClinVar variation 1978990 (VCV001978990.5), dbSNP rs772311757, ClinGen allele CA401359080.